The following is an entry in ClinVar:

ClinVar aggregate classification (germline): Uncertain significance. Review status: criteria provided, multiple submitters, no conflicts (2 of 4 stars). 2 submissions from 2 submitters: Uncertain significance (2). Last evaluated 2026-03-25.

Conditions:
Inborn genetic diseases. Identifiers: MedGen C0950123, MeSH D030342.

Submissions (2):

GeneDx
Classification: Uncertain significance. Last evaluated: 2026-03-25. Review status: criteria provided, single submitter. Criteria: GeneDx Variant Classification Process June 2021. Collection method: clinical testing. Allele origin: germline.
Comment: Not observed at significant frequency in large population cohorts (gnomAD); In silico analysis supports that this missense variant has a deleterious effect on protein structure/function; This variant is associated with the following publications: (PMID: 31766059)

Ambry Genetics
Classification: Uncertain significance for Inborn genetic diseases. Last evaluated: 2025-09-02. Review status: criteria provided, single submitter. Criteria: Ambry Variant Classification Scheme 2023. Collection method: clinical testing. Allele origin: germline.
Comment: The c.1331C>T (p.T444I) alteration is located in coding exon 14 of the SLC25A12 gene. This alteration results from a C to T substitution at nucleotide position 1331, causing the threonine (T) at amino acid position 444 to be replaced by an isoleucine (I). This variant was not reported in population-based cohorts in the Genome Aggregation Database (gnomAD). This variant has been identified in the homozygous state in individual(s) with features consistent with SLC25A12-related developmental and epileptic encephalopathy (Pfeiffer, 2020). This amino acid position is highly conserved in available vertebrate species. This alteration is predicted to be deleterious by in silico analysis. Based on insufficient or conflicting evidence, the clinical significance of this alteration remains unclear.

Literature cited by the submitters: PubMed 31766059 (cited by Ambry Genetics); PubMed 35008954 (cited by Ambry Genetics).

NM_003705.5(SLC25A12):c.1331C>T (p.Thr444Ile)

Gene: SLC25A12 (solute carrier family 25 member 12; minus strand). Cytogenetic location: 2q31.1.
Variant type: single nucleotide variant.
Coding change: c.1331C>T on transcript NM_003705.5 (MANE Select); coding-DNA position 1331, C replaced by T.
Protein change: p.Thr444Ile; replaces threonine 444 with isoleucine.
Molecular consequence: missense variant. On other transcripts: non-coding transcript variant (1).
Genome position (GRCh38, 1-based): chr2:171,793,742, G>A on the plus strand (C>T on the coding strand, the complement: SLC25A12 is on the minus strand). VCF-style: chr2-171793742-G-A. GRCh37 (hg19) VCF-style: chr2-172650252-G-A.
Other names: c.1331C>T (NM_003705.4); short protein forms T444I.
Identifiers: ClinVar variation 985711 (VCV000985711.5), dbSNP rs1683537513, ClinGen allele CA349289587.
Genomic context (GRCh38, chr2:171,793,742, plus strand): 5'-GGTCCCGTGGTGATCTCTCCAGCTACTTGCAGACGAATCTTCACTATCTCCAATGGGTTG[G>A]TAAAAATGACCTGAGAGCCTCCAGCCTGTAGGCAAGGGAGAAGAGACAGGCAGATTCCAC-3'
Protein context (NP_003696.2, residues 434-454): GCAGGSQVIF[Thr444Ile]NPLEIVKIRL